The following is an entry in ClinVar:

ClinVar aggregate classification (germline): Pathogenic. Review status: reviewed by expert panel (3 of 4 stars). 6 submissions from 6 submitters: Pathogenic (1). 5 of the submissions do not count toward it. Last evaluated 2016-09-08.

Conditions:
Hereditary breast ovarian cancer syndrome. Also called: Hereditary breast and ovarian cancer syndrome; Hereditary breast and ovarian cancer; Hereditary breast and ovarian cancer syndrome (HBOC); Breast and ovarian cancer; Hereditary breast and/or ovarian cancer syndrome; BRCA1- and BRCA2-Associated Hereditary Breast and Ovarian Cancer. Identifiers: Orphanet 145, MedGen C0677776, MeSH D061325, MONDO:0003582. Disease mechanism: loss of function.
Breast-ovarian cancer, familial, susceptibility to, 2 (BROVCA2). Also called: BRCA2 Hereditary Breast and Ovarian Cancer. Identifiers: Orphanet 145, MedGen C2675520, MONDO:0012933, OMIM 612555. Disease mechanism: loss of function.
Familial cancer of breast. Also called: BREAST CANCER, FAMILIAL; Hereditary breast cancer; hereditary breast carcinoma. Identifiers: Orphanet 227535, MedGen C0346153, MONDO:0016419, OMIM 114480. Disease mechanism: loss of function.
Hereditary cancer-predisposing syndrome. Also called: Neoplastic Syndromes, Hereditary; Tumor predisposition; Hereditary Cancer Syndrome; Hereditary neoplastic syndrome. Identifiers: Orphanet 140162, MedGen C0027672, MeSH D009386, MONDO:0015356.

Submissions (6):

Evidence-based Network for the Interpretation of Germline Mutant Alleles (ENIGMA)
Classification: Pathogenic for Breast-ovarian cancer, familial, susceptibility to, 2. Last evaluated: 2016-09-08. Review status: reviewed by expert panel. Criteria: ENIGMA BRCA1/2 Classification Criteria (2015). Collection method: curation. Allele origin: germline.
Comment: Variant allele predicted to encode a truncated non-functional protein.

Labcorp Genetics (formerly Invitae), Labcorp
Classification: Pathogenic for Hereditary breast ovarian cancer syndrome. Last evaluated: 2024-11-18. Review status: criteria provided, single submitter. Criteria: Invitae Variant Classification Sherloc (09022015). Collection method: clinical testing. Allele origin: germline. Not counted in ClinVar's aggregate classification.
Comment: This sequence change creates a premature translational stop signal (p.Thr868Ilefs*6) in the BRCA2 gene. It is expected to result in an absent or disrupted protein product. Loss-of-function variants in BRCA2 are known to be pathogenic (PMID: 20104584). This variant is not present in population databases (gnomAD no frequency). This premature translational stop signal has been observed in individual(s) with an increased risk for hereditary breast and ovarian cancer (PMID: 29446198). ClinVar contains an entry for this variant (Variation ID: 51313). For these reasons, this variant has been classified as Pathogenic.

Ambry Genetics
Classification: Pathogenic for Hereditary cancer-predisposing syndrome. Last evaluated: 2024-02-23. Review status: criteria provided, single submitter. Criteria: Ambry Variant Classification Scheme 2023. Collection method: clinical testing. Allele origin: germline. Not counted in ClinVar's aggregate classification.
Comment: The c.2603delC pathogenic mutation, located in coding exon 10 of the BRCA2 gene, results from a deletion of one nucleotide at nucleotide position 2603, causing a translational frameshift with a predicted alternate stop codon (p.T868Ifs*6). This variant is considered to be rare based on population cohorts in the Genome Aggregation Database (gnomAD). This alteration is expected to result in loss of function by premature protein truncation or nonsense-mediated mRNA decay. As such, this alteration is interpreted as a disease-causing mutation.

Baylor Genetics
Classification: Pathogenic for Familial cancer of breast. Last evaluated: 2022-05-20. Review status: criteria provided, single submitter. Criteria: ACMG Guidelines, 2015. Collection method: clinical testing. Allele origin: unknown. Not counted in ClinVar's aggregate classification.

Consortium of Investigators of Modifiers of BRCA1/2 (CIMBA), c/o University of Cambridge
Classification: Pathogenic for Breast-ovarian cancer, familial, susceptibility to, 2. Last evaluated: 2015-10-02. Review status: criteria provided, single submitter. Criteria: CIMBA Mutation Classification guidelines May 2016. Collection method: clinical testing. Allele origin: germline. Not counted in ClinVar's aggregate classification.

Breast Cancer Information Core (BIC) (BRCA2)
Classification: Pathogenic for Breast-ovarian cancer, familial 2. Last evaluated: 2009-10-21. Review status: no assertion criteria provided. Collection method: clinical testing. Allele origin: germline. Affected: yes. Observed: 1 variant allele. Not counted in ClinVar's aggregate classification.

Literature cited by the submitters: PubMed 20104584 (cited by Labcorp Genetics (formerly Invitae), Labcorp); PubMed 29446198 (cited by Labcorp Genetics (formerly Invitae), Labcorp).

NM_000059.4(BRCA2):c.2603del (p.Thr868fs)

Gene: BRCA2 (BRCA2 DNA repair associated; plus strand). Cytogenetic location: 13q13.1.
Variant type: Deletion.
Coding change: c.2603del on transcript NM_000059.4 (MANE Select); coding-DNA position 2603, one base deleted (C; older notation c.2603delC).
Protein change: p.Thr868fs; shifts the reading frame from threonine 868.
Molecular consequence: frameshift variant.
Genome position (GRCh38, 1-based): chr13:32,336,958, C deleted. VCF-style (leftmost placement, unchanged base first): chr13-32336957-AC-A. GRCh37 (hg19) VCF-style: chr13-32911094-AC-A.
Other names: 2831delC; c.2603delC (NM_000059.3).
Identifiers: ClinVar variation 51313 (VCV000051313.17), dbSNP rs276174824, ClinGen allele CA015801.